The following is an entry in ClinVar:

ClinVar aggregate classification (germline): Uncertain significance. Review status: criteria provided, multiple submitters, no conflicts (2 of 4 stars). 5 submissions from 4 submitters: Uncertain significance (4). 1 of the submissions does not count toward it. Last evaluated 2024-05-01.

Conditions:
NF1-related disorder. Also called: NF1-related condition. Identifiers: MedGen CN379171.
Cardiovascular phenotype. Identifiers: MedGen CN230736.
Hereditary cancer-predisposing syndrome. Also called: Hereditary Cancer Syndrome; Neoplastic Syndromes, Hereditary; Tumor predisposition; Hereditary neoplastic syndrome. Identifiers: Orphanet 140162, MedGen C0027672, MeSH D009386, MONDO:0015356.
Neurofibromatosis, type 1 (NF1). Also called: Neurofibromatosis, type I; VON RECKLINGHAUSEN DISEASE; NEUROFIBROMATOSIS, TYPE I, SOMATIC; Peripheral type neurofibromatosis. Identifiers: Orphanet 636, MedGen C0027831, MONDO:0018975, OMIM 162200. Disease mechanism: loss of function.

Submissions (5):

Labcorp Genetics (formerly Invitae), Labcorp
Classification: Uncertain significance for Neurofibromatosis, type 1. Last evaluated: 2024-05-01. Review status: criteria provided, single submitter. Criteria: Invitae Variant Classification Sherloc (09022015). Collection method: clinical testing. Allele origin: germline.
Comment: This sequence change replaces isoleucine, which is neutral and non-polar, with methionine, which is neutral and non-polar, at codon 2246 of the NF1 protein (p.Ile2246Met). This variant is not present in population databases (gnomAD no frequency). This variant has not been reported in the literature in individuals affected with NF1-related conditions. ClinVar contains an entry for this variant (Variation ID: 231810). Advanced modeling of protein sequence and biophysical properties (such as structural, functional, and spatial information, amino acid conservation, physicochemical variation, residue mobility, and thermodynamic stability) has been performed at Invitae for this missense variant, however the output from this modeling did not meet the statistical confidence thresholds required to predict the impact of this variant on NF1 protein function. In summary, the available evidence is currently insufficient to determine the role of this variant in disease. Therefore, it has been classified as a Variant of Uncertain Significance.

Genome-Nilou Lab
Classification: Uncertain significance for Neurofibromatosis, type 1. Last evaluated: 2022-03-15. Review status: criteria provided, single submitter. Criteria: ACMG Guidelines, 2015. Collection method: clinical testing. Allele origin: germline. Affected: no.

Ambry Genetics
Classification: Uncertain significance for Cardiovascular phenotype; Hereditary cancer-predisposing syndrome. Last evaluated: 2021-06-22. Review status: criteria provided, single submitter. Criteria: Ambry Variant Classification Scheme 2023. Collection method: clinical testing. Allele origin: germline.

Ambry Genetics
Classification: Uncertain significance for Hereditary cancer-predisposing syndrome. Last evaluated: 2015-05-18. Review status: criteria provided, single submitter. Criteria: Ambry Autosomal Dominant and X-Linked criteria (10/2015). Collection method: clinical testing. Allele origin: germline. Observed: 1 variant allele.
Comment: The p.I2267M variant (also known as c.6801A>G), located in coding exon 45 of the NF1 gene, results from an A to G substitution at nucleotide position 6801. The isoleucine at codon 2267 is replaced by methionine, an amino acid with highly similar properties. This variant was not reported in population based cohorts in the following databases: Database of Single Nucleotide Polymorphisms (dbSNP), NHLBI Exome Sequencing Project (ESP), and 1000 Genomes Project. In the ESP, this variant was not observed in 6503 samples (13006 alleles) with coverage at this position. To date, this alteration has been detected with an allele frequency of approximately 0.002% (greater than 55,000 alleles tested) in our clinical cohort. This amino acid position is highly conserved in available vertebrate species. In addition, the in silico prediction for this alteration is inconclusive. Since supporting evidence is limited at this time, the clinical significance of p.I2267M remains unclear.

PreventionGenetics, part of Exact Sciences
Classification: Uncertain significance for NF1-related condition. Last evaluated: 2023-11-13. Review status: no assertion criteria provided. Collection method: clinical testing. Allele origin: germline. Not counted in ClinVar's aggregate classification.
Comment: The NF1 c.6801A>G variant is predicted to result in the amino acid substitution p.Ile2267Met. To our knowledge, this variant has not been reported in the literature or in a large population database, indicating this variant is rare. At this time, the clinical significance of this variant is uncertain due to the absence of conclusive functional and genetic evidence.

NM_001042492.3(NF1):c.6801A>G (p.Ile2267Met)

Gene: NF1 (neurofibromin 1; plus strand). Cytogenetic location: 17q11.2.
Variant type: single nucleotide variant.
Coding change: c.6801A>G on transcript NM_001042492.3 (MANE Select); coding-DNA position 6801, A replaced by G.
Protein change: p.Ile2267Met; replaces isoleucine 2267 with methionine.
Molecular consequence: missense variant.
Genome position (GRCh38, 1-based): chr17:31,338,121, A>G. VCF-style: chr17-31338121-A-G. GRCh37 (hg19) VCF-style: chr17-29665139-A-G.
Other names: c.6738A>G, p.Ile2246Met (NM_000267.4); short protein forms I2246M, I2267M.
Identifiers: ClinVar variation 231810 (VCV000231810.13), dbSNP rs876659381, ClinGen allele CA10580390.
Genomic context (GRCh38, chr17:31,338,121, plus strand): 5'-AGCTCTTGTTGTCTTTGGGTGTATTAGCAAACGAGTGTCTCATGGGCAGATAAAGCAGAT[A>G]ATCCGTATTCTTAGCAAGGTACCTGTTCCGCCCTCACTTCTCCCAAATATTTATGGTTCT-3'
Protein context (NP_001035957.1, residues 2257-2277): KRVSHGQIKQ[Ile2267Met]IRILSKALES